The following is an entry in ClinVar:

ClinVar aggregate classification (germline): Uncertain significance. Review status: criteria provided, multiple submitters, no conflicts (2 of 4 stars). 2 submissions from 2 submitters: Uncertain significance (2). Last evaluated 2025-03-17.

Conditions:
Cryopyrin associated periodic syndrome (CAPS). Identifiers: Orphanet 208650, MedGen C2316212, MONDO:0016168.

Allele frequency attached by ClinVar (database versions not stated): gnomAD exomes below 0.00001.
gnomAD v4.1: 2 of 1,614,218 alleles (0.00012%); highest among the groups gnomAD compares: Non-Finnish European, 0.00017%; no homozygotes.

Submissions (2):

GeneDx
Classification: Uncertain significance. Last evaluated: 2025-03-17. Review status: criteria provided, single submitter. Criteria: GeneDx Variant Classification Process June 2021. Collection method: clinical testing. Allele origin: germline. Affected: yes.
Comment: Not observed at significant frequency in large population cohorts (gnomAD); In silico analysis indicates that this missense variant does not alter protein structure/function; Has not been previously published as pathogenic or benign to our knowledge; This variant is associated with the following publications: (PMID: 19302049)

Labcorp Genetics (formerly Invitae), Labcorp
Classification: Uncertain significance for Cryopyrin associated periodic syndrome. Last evaluated: 2024-01-24. Review status: criteria provided, single submitter. Criteria: Invitae Variant Classification Sherloc (09022015). Collection method: clinical testing. Allele origin: germline.
Comment: This sequence change replaces lysine, which is basic and polar, with arginine, which is basic and polar, at codon 594 of the NLRP3 protein (p.Lys594Arg). This variant is not present in population databases (gnomAD no frequency). This variant has not been reported in the literature in individuals affected with NLRP3-related conditions. Algorithms developed to predict the effect of missense changes on protein structure and function output the following: SIFT: "Not Available"; PolyPhen-2: "Benign"; Align-GVGD: "Not Available". The arginine amino acid residue is found in multiple mammalian species, which suggests that this missense change does not adversely affect protein function. In summary, the available evidence is currently insufficient to determine the role of this variant in disease. Therefore, it has been classified as a Variant of Uncertain Significance.

NM_001243133.2(NLRP3):c.1775A>G (p.Lys592Arg)

Gene: NLRP3 (NLR family pyrin domain containing 3; plus strand). Cytogenetic location: 1q44.
Variant type: single nucleotide variant.
Coding change: c.1775A>G on transcript NM_001243133.2 (MANE Select); coding-DNA position 1775, A replaced by G.
Protein change: p.Lys592Arg; replaces lysine 592 with arginine.
Molecular consequence: missense variant.
Genome position (GRCh38, 1-based): chr1:247,425,224, A>G. VCF-style: chr1-247425224-A-G. GRCh37 (hg19) VCF-style: chr1-247588526-A-G.
Other names: c.1775A>G, p.Lys592Arg (NM_001079821.3, NM_001127461.3, NM_001127462.3 and 1 more transcripts); c.1781A>G, p.Lys594Arg (NM_004895.5); short protein forms K592R, K594R.
Identifiers: ClinVar variation 2965683 (VCV002965683.4), dbSNP rs2527274729, ClinGen allele CA345557785.